The following is an entry in ClinVar:

ClinVar aggregate classification (germline): Pathogenic (1 of 4 stars; one submission).

Conditions:
RUNX2-related disorder. Also called: RUNX2-related condition.

Submission:

PreventionGenetics, part of Exact Sciences
Classification: Pathogenic for RUNX2-related condition. Last evaluated: 2026-01-09. Review status: criteria provided, single submitter. Criteria: ACMG Guidelines, 2015. Collection method: clinical testing. Allele origin: germline.
Comment: The RUNX2 c.353G>A variant is predicted to result in the amino acid substitution p.Ser118Asn. This variant was reported in multiple individuals with cleidocranial dysplasia (Ott et al. 2010. PubMed ID: 20648631; Internal Data, PreventionGenetics). Another variant affecting the same amino acid has been reported in multiple individuals with cleidocranial dysplasia (c.354C>G p.Ser118Arg; Quack et al. 1999. PubMed ID: 10521292; Hansen et al. 2011. PubMed ID: 20560987). This variant has not been reported in a large population database (gnomAD), indicating this variant is rare. This variant is interpreted as pathogenic.

NM_001024630.4(RUNX2):c.353G>A (p.Ser118Asn)

Gene: RUNX2 (RUNX family transcription factor 2; plus strand). Cytogenetic location: 6p21.1.
Variant type: single nucleotide variant.
Coding change: c.353G>A on transcript NM_001024630.4 (MANE Select); coding-DNA position 353, G replaced by A.
Protein change: p.Ser118Asn; replaces serine 118 with asparagine.
Molecular consequence: missense variant.
Genome position (GRCh38, 1-based): chr6:45,422,887, G>A. VCF-style: chr6-45422887-G-A. GRCh37 (hg19) VCF-style: chr6-45390624-G-A.
Other names: c.353G>A, p.Ser118Asn (NM_001015051.4); c.311G>A, p.Ser104Asn (NM_001278478.2, NM_001369405.1); short protein forms S104N, S118N.
Identifiers: ClinVar variation 4984842 (VCV004984842.1).